The following is an entry in ClinVar:

NM_003737.4(DCHS1):c.6500A>G (p.Asn2167Ser)

Gene: DCHS1 (dachsous cadherin-related 1; minus strand). Cytogenetic location: 11p15.4.
Variant type: single nucleotide variant.
Coding change: c.6500A>G on transcript NM_003737.4 (MANE Select); coding-DNA position 6500, A replaced by G.
Protein change: p.Asn2167Ser; replaces asparagine 2167 with serine.
Molecular consequence: missense variant.
Genome position (GRCh38, 1-based): chr11:6,626,245, T>C on the plus strand (A>G on the coding strand, the complement: DCHS1 is on the minus strand). VCF-style: chr11-6626245-T-C. GRCh37 (hg19) VCF-style: chr11-6647476-T-C.
Other names: short protein forms N2167S.
Identifiers: ClinVar variation 2152495 (VCV002152495.4), dbSNP rs1387568838, ClinGen allele CA379387995.
Genomic context (GRCh38, chr11:6,626,245, plus strand): 5'-TCCAAGGGCCGGGACTCAGGAAGGAAGGCCACATAATGGGGCCGCAGGAAACGGGGAGCA[T>C]TGTCGTTGGCATCTTGCAGGGTCAGGGTCAGCACAGTGAAGGCAAAGGCTCCTCCACTCT-3'
Protein context (NP_003728.1, residues 2157-2177): LTLTLQDAND[Asn2167Ser]APRFLRPHYV

ClinVar aggregate classification (germline): Uncertain significance (1 of 4 stars; one submission).

Allele frequency attached by ClinVar (database versions not stated): gnomAD exomes below 0.00001; TOPMed 0.00001; gnomAD 0.00002.
gnomAD v4.1: 7 of 1,612,270 alleles (0.00043%); highest among the groups gnomAD compares: African/African-American, 0.0067%; no homozygotes.

Submission:

Labcorp Genetics (formerly Invitae), Labcorp
Classification: Uncertain significance. Last evaluated: 2023-10-03. Review status: criteria provided, single submitter. Criteria: Invitae Variant Classification Sherloc (09022015). Collection method: clinical testing. Allele origin: germline.
Comment: This sequence change replaces asparagine, which is neutral and polar, with serine, which is neutral and polar, at codon 2167 of the DCHS1 protein (p.Asn2167Ser). This variant is not present in population databases (gnomAD no frequency). This variant has not been reported in the literature in individuals affected with DCHS1-related conditions. ClinVar contains an entry for this variant (Variation ID: 2152495). Advanced modeling of protein sequence and biophysical properties (such as structural, functional, and spatial information, amino acid conservation, physicochemical variation, residue mobility, and thermodynamic stability) performed at Invitae indicates that this missense variant is not expected to disrupt DCHS1 protein function. In summary, the available evidence is currently insufficient to determine the role of this variant in disease. Therefore, it has been classified as a Variant of Uncertain Significance.